The following is an entry in ClinVar:

ClinVar aggregate classification (germline): Likely benign (1 of 4 stars; one submission).

Submission:

GeneDx
Classification: Likely benign. Last evaluated: 2016-07-28. Review status: criteria provided, single submitter. Criteria: GeneDx Variant Classification (06012015). Collection method: clinical testing. Allele origin: germline. Affected: yes.
Comment: This variant is considered likely benign or benign based on one or more of the following criteria: it is a conservative change, it occurs at a poorly conserved position in the protein, it is predicted to be benign by multiple in silico algorithms, and/or has population frequency not consistent with disease.

NM_012062.5(DNM1L):c.740+3T>C

Gene: DNM1L (dynamin 1 like; plus strand). Cytogenetic location: 12p11.21.
Variant type: single nucleotide variant.
Coding change: c.740+3T>C on transcript NM_012062.5 (MANE Select); 3 bases into the intron after coding-DNA position 740, T replaced by C.
Molecular consequence: intron variant.
Genome position (GRCh38, 1-based): chr12:32,718,766, T>C. VCF-style: chr12-32718766-T-C. GRCh37 (hg19) VCF-style: chr12-32871700-T-C.
Other names: c.779+3T>C (NM_001278464.2, NM_001278465.2, NM_001330380.2); c.132-1898T>C (NM_001278466.2); c.740+3T>C (NM_001278463.2, NM_012063.4, NM_005690.5).
Identifiers: ClinVar variation 387636 (VCV000387636.1), dbSNP rs1057522850, ClinGen allele CA16607250.